The following is an entry in ClinVar:

ClinVar aggregate classification (germline): Uncertain significance. Review status: criteria provided, multiple submitters, no conflicts (2 of 4 stars). 2 submissions from 2 submitters: Uncertain significance (2). Last evaluated 2025-04-01.

Allele frequency attached by ClinVar (database versions not stated): ExAC 0.00001; gnomAD 0.00001; TOPMed 0.00002.
gnomAD v4.1: 8 of 1,610,678 alleles (0.0005%); highest among the groups gnomAD compares: African/African-American, 0.0013%; no homozygotes.

Submissions (2):

Ambry Genetics
Classification: Uncertain significance. Last evaluated: 2025-04-01. Review status: criteria provided, single submitter. Criteria: Ambry Variant Classification Scheme 2023. Collection method: clinical testing. Allele origin: germline.

Labcorp Genetics (formerly Invitae), Labcorp
Classification: Uncertain significance. Last evaluated: 2024-01-19. Review status: criteria provided, single submitter. Criteria: Invitae Variant Classification Sherloc (09022015). Collection method: clinical testing. Allele origin: germline.
Comment: This sequence change replaces arginine, which is basic and polar, with histidine, which is basic and polar, at codon 174 of the RAB11A protein (p.Arg174His). The frequency data for this variant in the population databases is considered unreliable, as metrics indicate poor data quality at this position in the gnomAD database. This variant has not been reported in the literature in individuals affected with RAB11A-related conditions. An algorithm developed to predict the effect of missense changes on protein structure and function (PolyPhen-2) suggests that this variant is likely to be tolerated. In summary, the available evidence is currently insufficient to determine the role of this variant in disease. Therefore, it has been classified as a Variant of Uncertain Significance.

NM_004663.5(RAB11A):c.521G>A (p.Arg174His)

Gene: RAB11A (RAB11A, member RAS oncogene family; plus strand). Cytogenetic location: 15q22.31.
Variant type: single nucleotide variant.
Coding change: c.521G>A on transcript NM_004663.5 (MANE Select); coding-DNA position 521, G replaced by A.
Protein change: p.Arg174His; replaces arginine 174 with histidine.
Molecular consequence: missense variant. On other transcripts: intron variant (1).
Genome position (GRCh38, 1-based): chr15:65,887,710, G>A. VCF-style: chr15-65887710-G-A. GRCh37 (hg19) VCF-style: chr15-66180048-G-A.
Other names: c.521G>A (NM_004663.4); c.440-14G>A (NM_001206836.2); short protein forms R174H.
Identifiers: ClinVar variation 2995906 (VCV002995906.4), dbSNP rs759435629, ClinGen allele CA7621632.